The following is an entry in ClinVar:

ClinVar aggregate classification (germline): Uncertain significance (1 of 4 stars; one submission).

Conditions:
Autism spectrum disorder - epilepsy - arthrogryposis syndrome (AMRS). Identifiers: Orphanet 370943, MedGen C3809910, MONDO:0014248, OMIM 615553.

Allele frequency attached by ClinVar (database versions not stated): gnomAD exomes below 0.00001 and 0.00001; TOPMed below 0.00001.
gnomAD v4.1: 4 of 1,582,650 alleles (0.00025%); highest among the groups gnomAD compares: Admixed American, 0.0039%; no homozygotes.

Submission:

Labcorp Genetics (formerly Invitae), Labcorp
Classification: Uncertain significance for Autism spectrum disorder - epilepsy - arthrogryposis syndrome. Last evaluated: 2021-09-01. Review status: criteria provided, single submitter. Criteria: Invitae Variant Classification Sherloc (09022015). Collection method: clinical testing. Allele origin: germline.
Comment: This sequence change replaces alanine with glycine at codon 110 of the SLC35A3 protein (p.Ala110Gly). The alanine residue is highly conserved and there is a small physicochemical difference between alanine and glycine. This variant is not present in population databases (ExAC no frequency). This variant has not been reported in the literature in individuals affected with SLC35A3-related conditions. Algorithms developed to predict the effect of missense changes on protein structure and function are either unavailable or do not agree on the potential impact of this missense change (SIFT: "Deleterious"; PolyPhen-2: "Benign"; Align-GVGD: "Class C0"). In summary, the available evidence is currently insufficient to determine the role of this variant in disease. Therefore, it has been classified as a Variant of Uncertain Significance.

NM_012243.3(SLC35A3):c.329C>G (p.Ala110Gly)

Gene: SLC35A3 (solute carrier family 35 member A3; plus strand). Cytogenetic location: 1p21.2.
Variant type: single nucleotide variant.
Coding change: c.329C>G on transcript NM_012243.3 (MANE Select); coding-DNA position 329, C replaced by G.
Protein change: p.Ala110Gly; replaces alanine 110 with glycine.
Molecular consequence: missense variant.
Genome position (GRCh38, 1-based): chr1:99,999,402, C>G. VCF-style: chr1-99999402-C-G. GRCh37 (hg19) VCF-style: chr1-100464958-C-G.
Other names: c.329C>G, p.Ala110Gly (NM_001271684.2); c.455C>G, p.Ala152Gly (NM_001271685.2); short protein forms A110G, A152G.
Identifiers: ClinVar variation 935709 (VCV000935709.3), dbSNP rs1157464372, ClinGen allele CA341326677.